The following is an entry in ClinVar:

NC_000015.10:g.(?_90782812)_(90785091_?)del

Gene: BLM (BLM RecQ like helicase; plus strand). Cytogenetic location: 15q26.1.
Variant type: Deletion.
Identifiers: ClinVar variation 831051 (VCV000831051.6).

ClinVar aggregate classification (germline): Pathogenic (1 of 4 stars; one submission).

Conditions:
Bloom syndrome (BLM). Also called: Bloom-Torre-Machacek syndrome. Identifiers: Orphanet 125, MedGen C0005859, MONDO:0008876, OMIM 210900.

Submission:

Labcorp Genetics (formerly Invitae), Labcorp
Classification: Pathogenic for Bloom syndrome. Last evaluated: 2022-09-30. Review status: criteria provided, single submitter. Criteria: Invitae Variant Classification Sherloc (09022015). Collection method: clinical testing. Allele origin: germline.
Comment: This variant is a gross deletion of the genomic region encompassing exon(s) 13-14 of the BLM gene. This deletion is out-of-frame, and is expected to create a premature termination codon and result in an absent or disrupted protein product. Loss-of-function variants in BLM are known to be pathogenic (PMID: 17407155). This variant has not been reported in the literature in individuals affected with BLM-related conditions. For these reasons, this variant has been classified as Pathogenic.

Literature cited by the submitters: PubMed 17407155.